The following is an entry in ClinVar:

ClinVar aggregate classification (germline): Conflicting classifications of pathogenicity. Review status: criteria provided, conflicting classifications (1 of 4 stars). 4 submissions from 4 submitters: Likely pathogenic (1); Uncertain significance (3). Last evaluated 2026-05-18.

Conditions:
Hereditary cancer-predisposing syndrome. Also called: Hereditary neoplastic syndrome; Neoplastic Syndromes, Hereditary; Tumor predisposition; Hereditary Cancer Syndrome. Identifiers: Orphanet 140162, MedGen C0027672, MeSH D009386, MONDO:0015356.
Tuberous sclerosis 2 (TSC2). Identifiers: Orphanet 805, MedGen C1860707, MONDO:0013199, OMIM 613254.
Isolated focal cortical dysplasia type II (FCORD2). Also called: CORTICAL DYSPLASIA OF TAYLOR; Focal cortical dysplasia type II. Identifiers: Orphanet 268994, MedGen C1846385, MONDO:0011818, OMIM 607341, HP:0032051.
Lymphangiomyomatosis (LAM). Also called: Lymphangioleiomyomatosis, somatic; Lymphangioleiomyomatosis. Identifiers: Orphanet 538, MedGen C0751674, MONDO:0011705, OMIM 606690.

Submissions (4):

Ambry Genetics
Classification: Uncertain significance for Hereditary cancer-predisposing syndrome. Last evaluated: 2026-05-18. Review status: criteria provided, single submitter. Criteria: Ambry Variant Classification Scheme 2023. Collection method: clinical testing. Allele origin: germline.
Comment: The c.641_648+1delACATAGAGG variant results from a deletion of nine nucleotides between positions c.641 and c.648+1 and involves the canonical splice donor site after coding exon 6 of the TSC2 gene. The canonical splice donor site is highly conserved in available vertebrate species. In silico splice site analysis predicts that this alteration will weaken the native splice donor site and will result in the creation or strengthening of a novel splice donor site. RNA studies have demonstrated that this alteration results in a transcript predicted to lead to a protein with an in-frame deletion of 3 amino acids; however, the exact functional impact of the deleted amino acids is unknown at this time (Ambry internal data). Based on the available evidence, the clinical significance of this alteration remains unclear.

GeneDx
Classification: Likely pathogenic. Last evaluated: 2024-05-30. Review status: criteria provided, single submitter. Criteria: GeneDx Variant Classification Process June 2021. Collection method: clinical testing. Allele origin: germline. Affected: yes.
Comment: Canonical splice site variant predicted to result in a null allele in a gene for which loss of function is a known mechanism of disease; Not observed at significant frequency in large population cohorts (gnomAD); Has not been previously published in individuals with features of tuberous sclerosis complex (TSC) to our knowledge; This variant is associated with the following publications: (PMID: 37506692)

Fulgent Genetics
Classification: Uncertain significance for Lymphangiomyomatosis; Isolated focal cortical dysplasia type II; Tuberous sclerosis 2. Last evaluated: 2022-03-29. Review status: criteria provided, single submitter. Criteria: ACMG Guidelines, 2015. Collection method: clinical testing. Allele origin: unknown.

Labcorp Genetics (formerly Invitae), Labcorp
Classification: Uncertain significance for Tuberous sclerosis 2. Last evaluated: 2020-09-21. Review status: criteria provided, single submitter. Criteria: Invitae Variant Classification Sherloc (09022015). Collection method: clinical testing. Allele origin: germline.
Comment: This variant is not present in population databases (ExAC no frequency). In summary, the available evidence is currently insufficient to determine the role of this variant in disease. Therefore, it has been classified as a Variant of Uncertain Significance. Algorithms developed to predict the effect of sequence changes on RNA splicing suggest that this variant may disrupt the consensus splice site, but this prediction has not been confirmed by published transcriptional studies. This variant has not been reported in the literature in individuals with TSC2-related conditions. This variant, c.640_648del, results in the deletion of 3 amino acids of the TSC2 protein (p.Asp214_Glu216del), but otherwise preserves the integrity of the reading frame.

NM_000548.5(TSC2):c.641_648+1del

Gene: TSC2 (TSC complex subunit 2; plus strand). Cytogenetic location: 16p13.3.
Variant type: Deletion.
Coding change: c.641_648+1del on transcript NM_000548.5 (MANE Select); coding-DNA position 641 through the canonical splice donor site of the intron after coding-DNA position 648, 9 bases deleted (ACATAGAGG; older notation c.641_648+1delACATAGAGG).
Molecular consequence: splice donor variant.
Genome position (GRCh38, 1-based): chr16:2,056,237-2,056,245, ACATAGAGG deleted; deleting any 9 consecutive bases within chr16:2,056,235-2,056,245 gives the same sequence; the c. name uses the placement nearest the transcript's 3' end. VCF-style (leftmost placement, unchanged base first): chr16-2056234-TGGACATAGA-T. GRCh37 (hg19) VCF-style: chr16-2106235-TGGACATAGA-T.
Other names: c.641_648+1delACATAGAGG (NM_000548.3); c.641_648+1del (NM_001114382.3, NM_021055.3, NM_001370405.1 and 3 more transcripts); c.530_537+1del (NM_001318827.2); c.41_48+1del (NM_001318831.2); c.494_501+1del (NM_001318829.2); c.674_681+1del (NM_001318832.2); c.640_648del (NM_000548.5).
Identifiers: ClinVar variation 1021820 (VCV001021820.11), dbSNP rs2085795613, ClinGen allele CA2202001262.